The following is an entry in ClinVar:

NM_001367624.2(ZNF469):c.869C>T (p.Ala290Val)

Gene: ZNF469 (zinc finger protein 469; plus strand). Cytogenetic location: 16q24.2.
Variant type: single nucleotide variant.
Coding change: c.869C>T on transcript NM_001367624.2 (MANE Select); coding-DNA position 869, C replaced by T.
Protein change: p.Ala290Val; replaces alanine 290 with valine.
Molecular consequence: missense variant.
Genome position (GRCh38, 1-based): chr16:88,428,339, C>T. VCF-style: chr16-88428339-C-T. GRCh37 (hg19) VCF-style: chr16-88494747-C-T.
Other names: NM_001127464.1:c.869C>T; p.Ala290Val; short protein forms A290V.
Identifiers: ClinVar variation 320858 (VCV000320858.19), dbSNP rs117501524, ClinGen allele CA8224632.

ClinVar aggregate classification (germline): Benign/Likely benign. Review status: criteria provided, multiple submitters, no conflicts (2 of 4 stars). 9 submissions from 9 submitters: Benign (5); Likely benign (4). Last evaluated 2026-02-04.

Conditions:
Cardiovascular phenotype. Identifiers: MedGen CN230736.
Brittle cornea syndrome 1 (BCS1). Also called: DYSGENESIS MESODERMALIS CORNEAE ET SCLERAE; CORNEAL FRAGILITY, KERATOGLOBUS, BLUE SCLERAE, JOINT HYPEREXTENSIBILITY; EDS6B; FRAGILITAS OCULI WITH JOINT HYPEREXTENSIBILITY; Corneal fragility keratoglobus, blue sclerae AND joint hypermobility. Identifiers: Orphanet 90354, MedGen C0268344, MONDO:0024543, OMIM 229200.

Allele frequency attached by ClinVar (database versions not stated): gnomAD 0.00258; ExAC 0.00352; TOPMed 0.00360; gnomAD exomes 0.00415; 1000 Genomes Project 30x 0.00968; 1000 Genomes Project 0.01038.
gnomAD v4.1: 2,022 of 1,549,776 alleles (0.13%); highest among the groups gnomAD compares: East Asian, 3.7%; 56 homozygotes.

Submissions (9):

Labcorp Genetics (formerly Invitae), Labcorp
Classification: Benign. Last evaluated: 2026-02-04. Review status: criteria provided, single submitter. Criteria: Invitae Variant Classification Sherloc (09022015). Collection method: clinical testing. Allele origin: germline.

Women's Health and Genetics/Laboratory Corporation of America, LabCorp
Classification: Likely benign. Last evaluated: 2026-01-22. Review status: criteria provided, single submitter. Criteria: LabCorp Variant Classification Summary - May 2015. Collection method: clinical testing. Allele origin: germline.

Blueprint Genetics
Classification: Likely benign. Last evaluated: 2024-11-20. Review status: criteria provided, single submitter. Criteria: ACMG Guidelines, 2015. Collection method: clinical testing. Allele origin: germline.

Mayo Clinic Laboratories, Mayo Clinic
Classification: Benign. Last evaluated: 2023-07-23. Review status: criteria provided, single submitter. Criteria: ACMG Guidelines, 2015. Collection method: clinical testing. Allele origin: germline. Observed: 8 variant alleles.

Genome-Nilou Lab
Classification: Benign for Brittle cornea syndrome 1. Last evaluated: 2021-12-05. Review status: criteria provided, single submitter. Criteria: ACMG Guidelines, 2015. Collection method: clinical testing. Allele origin: germline. Affected: no.

Fulgent Genetics
Classification: Likely benign for Brittle cornea syndrome 1. Last evaluated: 2021-09-17. Review status: criteria provided, single submitter. Criteria: ACMG Guidelines, 2015. Collection method: clinical testing. Allele origin: unknown.

Ambry Genetics
Classification: Benign for Cardiovascular phenotype. Last evaluated: 2019-06-18. Review status: criteria provided, single submitter. Criteria: Ambry Variant Classification Scheme 2023. Collection method: clinical testing. Allele origin: germline.

GeneDx
Classification: Benign. Last evaluated: 2017-11-16. Review status: criteria provided, single submitter. Criteria: GeneDx Variant Classification (06012015). Collection method: clinical testing. Allele origin: germline. Affected: yes.
Comment: This variant is considered likely benign or benign based on one or more of the following criteria: it is a conservative change, it occurs at a poorly conserved position in the protein, it is predicted to be benign by multiple in silico algorithms, and/or has population frequency not consistent with disease.

Breakthrough Genomics
Classification: Likely benign. Review status: criteria provided, single submitter. Criteria: ACMG Guidelines, 2015. Collection method: not provided. Allele origin: germline. Inheritance: Autosomal recessive inheritance. Affected: yes.